The following is an entry in ClinVar:

ClinVar aggregate classification (germline): Conflicting classifications of pathogenicity. Review status: criteria provided, conflicting classifications (1 of 4 stars). 7 submissions from 6 submitters: Uncertain significance (4); Likely benign (1). 2 of the submissions do not count toward it. Last evaluated 2026-02-04.

Conditions:
Retinal dystrophy. Also called: Inherited retinal dystrophy. Identifiers: Orphanet 71862, MedGen C0854723, MeSH D058499, MONDO:0019118, HP:0000556.
Retinitis pigmentosa (RP). Identifiers: Orphanet 791, MedGen C0035334, MeSH D012174, MONDO:0019200, OMIM 268000. Inheritance: Autosomal dominant, autosomal recessive and X linked inheritance.
Hearing impairment. Also called: Impaired Hearing. Identifiers: MedGen C1384666, MONDO:0005365, HP:0000365.
Usher syndrome type 2A. Also called: USHER SYNDROME, TYPE IIA; RETINAL DISEASE IN USHER SYNDROME TYPE IIA, MODIFIER OF. Identifiers: Orphanet 231178, Orphanet 886, MedGen C1848634, MONDO:0010169, OMIM 276901.

Allele frequency attached by ClinVar (database versions not stated): ESP Exome Variant Server 0.00008; gnomAD 0.00014 and 0.00015; 1000 Genomes Project 30x 0.00016; TOPMed 0.00017; 1000 Genomes Project 0.00020.
gnomAD v4.1: 212 of 1,613,950 alleles (0.013%); highest among the groups gnomAD compares: South Asian, 0.089%; 1 homozygote.

Submissions (7):

Labcorp Genetics (formerly Invitae), Labcorp
Classification: Likely benign. Last evaluated: 2026-02-04. Review status: criteria provided, single submitter. Criteria: Invitae Variant Classification Sherloc (09022015). Collection method: clinical testing. Allele origin: germline.

Blueprint Genetics
Classification: Uncertain significance. Last evaluated: 2024-11-08. Review status: criteria provided, single submitter. Criteria: ACMG Guidelines, 2015. Collection method: clinical testing. Allele origin: germline.

Department of Otolaryngology – Head & Neck Surgery, Cochlear Implant Center
Classification: Uncertain significance for Hearing impairment. Last evaluated: 2021-04-12. Review status: criteria provided, single submitter. Criteria: ClinGen HL ACMG Specifications v1. Collection method: clinical testing. Allele origin: germline. Affected: yes.
Comment: PM2_Moderate, PM5_Moderate, BP4_Supporting

Illumina Laboratory Services, Illumina
Classification: Uncertain significance for Retinitis pigmentosa. Last evaluated: 2017-04-27. Review status: criteria provided, single submitter. Criteria: ICSL Variant Classification Criteria 13 December 2019. Collection method: clinical testing. Allele origin: germline.

Illumina Laboratory Services, Illumina
Classification: Uncertain significance for Usher syndrome type 2A. Last evaluated: 2017-04-27. Review status: criteria provided, single submitter. Criteria: ICSL Variant Classification Criteria 13 December 2019. Collection method: clinical testing. Allele origin: germline.

Institute of Human Genetics, Univ. Regensburg, Univ. Regensburg
Classification: Likely benign for Retinal dystrophy. Last evaluated: 2022-01-01. Review status: no assertion criteria provided. Criteria: ACMG Guidelines, 2015. Collection method: clinical testing. Allele origin: germline. Affected: yes. Not counted in ClinVar's aggregate classification.

Natera, Inc.
Classification: Uncertain significance for Usher syndrome type 2A. Last evaluated: 2020-01-02. Review status: no assertion criteria provided. Collection method: clinical testing. Allele origin: germline. Not counted in ClinVar's aggregate classification.

NM_206933.4(USH2A):c.1898C>T (p.Ser633Leu)

Gene: USH2A (usherin; minus strand). Cytogenetic location: 1q41.
Variant type: single nucleotide variant.
Coding change: c.1898C>T on transcript NM_206933.4 (MANE Select); coding-DNA position 1898, C replaced by T.
Protein change: p.Ser633Leu; replaces serine 633 with leucine.
Molecular consequence: missense variant.
Genome position (GRCh38, 1-based): chr1:216,289,353, G>A on the plus strand (C>T on the coding strand, the complement: USH2A is on the minus strand). VCF-style: chr1-216289353-G-A. GRCh37 (hg19) VCF-style: chr1-216462695-G-A.
Other names: c.1898C>T, p.Ser633Leu (NM_007123.6); short protein forms S633L.
Identifiers: ClinVar variation 833673 (VCV000833673.19), dbSNP rs373190681, ClinGen allele CA1396363.